The following is an entry in ClinVar:

ClinVar aggregate classification (germline): Uncertain significance (1 of 4 stars; one submission).

Conditions:
Cardiovascular phenotype. Identifiers: MedGen CN230736.

Submission:

Ambry Genetics
Classification: Uncertain significance for Cardiovascular phenotype. Last evaluated: 2025-05-24. Review status: criteria provided, single submitter. Criteria: Ambry Variant Classification Scheme 2023. Collection method: clinical testing. Allele origin: germline.
Comment: The p.A325S variant (also known as c.973G>T), located in coding exon 3 of the APOA5 gene, results from a G to T substitution at nucleotide position 973. The alanine at codon 325 is replaced by serine, an amino acid with similar properties. This amino acid position is conserved. In addition, this alteration is predicted to be tolerated by in silico analysis. Based on the available evidence, the clinical significance of this variant remains unclear.

NM_001371904.1(APOA5):c.973G>T (p.Ala325Ser)

Gene: APOA5 (apolipoprotein A5; minus strand). Cytogenetic location: 11q23.3.
Variant type: single nucleotide variant.
Coding change: c.973G>T on transcript NM_001371904.1 (MANE Select); coding-DNA position 973, G replaced by T.
Protein change: p.Ala325Ser; replaces alanine 325 with serine.
Molecular consequence: missense variant.
Genome position (GRCh38, 1-based): chr11:116,790,256, C>A on the plus strand (G>T on the coding strand, the complement: APOA5 is on the minus strand). VCF-style: chr11-116790256-C-A. GRCh37 (hg19) VCF-style: chr11-116660972-C-A.
Other names: c.973G>T, p.Ala325Ser (NM_001166598.2, NM_052968.5); short protein forms A325S.
Identifiers: ClinVar variation 3931836 (VCV003931836.1).